The following is an entry in ClinVar:

ClinVar aggregate classification (germline): Uncertain significance (1 of 4 stars; one submission).

Conditions:
Aldosterone-producing adenoma with seizures and neurological abnormalities. Also called: Primary aldosteronism, seizures, and neurologic abnormalities. Identifiers: Orphanet 369929, MedGen C3809609, MONDO:0014200, OMIM 615474.

Submission:

Genetics laboratory, Institute of Kidney Diseases & Research Centre Dr. H.L. Trivedi Institute Of Transplantation Sciences
Classification: Uncertain significance for Aldosterone-producing adenoma with seizures and neurological abnormalities. Last evaluated: 2026-02-19. Review status: criteria provided, single submitter. Criteria: ACMG Guidelines, 2015. Collection method: clinical testing. Allele origin: germline. Inheritance: Autosomal dominant inheritance. Affected: yes. Observed: 1 variant allele, 1 heterozygote.
Comment: A heterozygous missense variant, NM_000720.4:c.520G>C (p.Val174Leu), was identified in the CACNA1D gene. The variant is absent or extremely rare in population databases (PM2). However, there is currently insufficient evidence from functional studies, segregation analysis, affected individuals, or other established ACMG criteria to support its pathogenicity. Therefore, based on the currently available evidence, the variant is classified as a Variant of Uncertain Significance (VUS) according to the ACMG/AMP guidelines.

NM_001128840.3(CACNA1D):c.520G>C (p.Val174Leu)

Gene: CACNA1D (calcium voltage-gated channel subunit alpha1 D; plus strand). Cytogenetic location: 3p21.1.
Variant type: single nucleotide variant.
Coding change: c.520G>C on transcript NM_001128840.3 (MANE Select); coding-DNA position 520, G replaced by C.
Protein change: p.Val174Leu; replaces valine 174 with leucine.
Molecular consequence: missense variant.
Genome position (GRCh38, 1-based): chr3:53,650,815, G>C. VCF-style: chr3-53650815-G-C. GRCh37 (hg19) VCF-style: chr3-53684842-G-C.
Other names: c.520G>C, p.Val174Leu (NM_000720.4, NM_001128839.3); short protein forms V174L.
Identifiers: ClinVar variation 4884885 (VCV004884885.1).